The following is an entry in ClinVar:

NM_001017980.4(VMA21):c.76A>G (p.Thr26Ala)

Gene: VMA21 (vacuolar ATPase assembly factor VMA21; plus strand). Cytogenetic location: Xq28.
Variant type: single nucleotide variant.
Coding change: c.76A>G on transcript NM_001017980.4 (MANE Select); coding-DNA position 76, A replaced by G.
Protein change: p.Thr26Ala; replaces threonine 26 with alanine.
Molecular consequence: missense variant.
Genome position (GRCh38, 1-based): chrX:151,403,653, A>G. VCF-style: chrX-151403653-A-G. GRCh37 (hg19) VCF-style: chrX-150572125-A-G.
Other names: c.241A>G, p.Thr81Ala (NM_001363810.1); c.76A>G (NM_001017980.3); short protein forms T26A, T81A.
Identifiers: ClinVar variation 1584991 (VCV001584991.12), dbSNP rs143565725, ClinGen allele CA10540551.
Genomic context (GRCh38, chrX:151,403,653, plus strand): 5'-TGCAGGTTCTGATTTTCTCTTTGTTTACTTTATTCCAGAAATGAAAGCTCATTAGCATCT[A>G]CACTGAAGACGCTCCTGTTCTTCACAGCTTTAATGATCACTGTTCCTATTGGGTTATATT-3'
Protein context (NP_001017980.1, residues 16-36): EFRNESSLAS[Thr26Ala]LKTLLFFTAL

ClinVar aggregate classification (germline): Conflicting classifications of pathogenicity. Review status: criteria provided, conflicting classifications (1 of 4 stars). 3 submissions from 3 submitters: Uncertain significance (1); Benign (1); Likely benign (1). Last evaluated 2025-12-02.

Conditions:
Inborn genetic diseases. Identifiers: MedGen C0950123, MeSH D030342.
X-linked myopathy with excessive autophagy (AVM). Also called: Vacuolar myopathy; Autophagic vacuolar myopathy. Identifiers: Orphanet 25980, MedGen C1839615, MONDO:0010684, OMIM 310440.
VMA21-related disorder. Also called: VMA21-related condition.

Allele frequency attached by ClinVar (database versions not stated): gnomAD exomes 0.00005 and 0.00029; ExAC 0.00006; gnomAD 0.00010; TOPMed 0.00011; ESP Exome Variant Server 0.00028.
gnomAD v4.1: 326 of 1,206,111 alleles (0.027%); highest among the groups gnomAD compares: Non-Finnish European, 0.034%; no homozygotes.

Submissions (3):

Labcorp Genetics (formerly Invitae), Labcorp
Classification: Benign for X-linked myopathy with excessive autophagy. Last evaluated: 2025-12-02. Review status: criteria provided, single submitter. Criteria: Invitae Variant Classification Sherloc (09022015). Collection method: clinical testing. Allele origin: germline.

PreventionGenetics, part of Exact Sciences
Classification: Likely benign for VMA21-related condition. Last evaluated: 2025-09-16. Review status: criteria provided, single submitter. Criteria: ACMG Guidelines, 2015. Collection method: clinical testing. Allele origin: germline.
Comment: This variant is classified as likely benign based on ACMG/AMP sequence variant interpretation guidelines (Richards et al. 2015 PMID: 25741868, with internal and published modifications).

Ambry Genetics
Classification: Uncertain significance for Inborn genetic diseases. Last evaluated: 2023-12-28. Review status: criteria provided, single submitter. Criteria: Ambry Variant Classification Scheme 2023. Collection method: clinical testing. Allele origin: germline.